The following is an entry in ClinVar:

ClinVar aggregate classification (germline): Likely pathogenic (1 of 4 stars; one submission).

Conditions:
Neuromuscular disease caused by qualitative or quantitative defects of dysferlin. Also called: Qualitative or quantitative defects of dysferlin; Dysferlinopathy. Identifiers: Orphanet 207073, MedGen C2931687, MONDO:0016145.

Submission:

Labcorp Genetics (formerly Invitae), Labcorp
Classification: Likely pathogenic for Neuromuscular disease caused by qualitative or quantitative defects of dysferlin. Last evaluated: 2020-08-23. Review status: criteria provided, single submitter. Criteria: Invitae Variant Classification Sherloc (09022015). Collection method: clinical testing. Allele origin: germline.
Comment: This variant has not been reported in the literature in individuals with DYSF-related conditions. In summary, the currently available evidence indicates that the variant is pathogenic, but additional data are needed to prove that conclusively. Therefore, this variant has been classified as Likely Pathogenic. Loss-of-function variants in DYSF are known to be pathogenic (PMID: 17698709, 20301480). This variant results in a copy number gain of the genomic region encompassing exon(s) 31-32 of the DYSF gene. While the exact position of this variant cannot be determined from the data, sub-genic copy number gains are generally in tandem (PMID: 25640679). This variant is predicted to be out-of-frame, and may result in an absent or disrupted protein product.

Literature cited by the submitters: PubMed 17698709; PubMed 20301480; PubMed 25640679.

NC_000002.11:g.(?_71816713)_(71817428_?)dup

Gene: DYSF (dysferlin; plus strand). Cytogenetic location: 2p13.2.
Variant type: Duplication.
Identifiers: ClinVar variation 1067761 (VCV001067761.3).